The following is an entry in ClinVar:

ClinVar aggregate classification (germline): Likely benign (0 of 4 stars; one submission).

Conditions:
NCOA1-related disorder. Also called: NCOA1-related condition.

Allele frequency attached by ClinVar (database versions not stated): gnomAD exomes 0.00008; ExAC 0.00015; gnomAD 0.00060; TOPMed 0.00069; ESP Exome Variant Server 0.00077; 1000 Genomes Project 30x 0.00094; 1000 Genomes Project 0.00100.
gnomAD v4.1: 221 of 1,608,030 alleles (0.014%); highest among the groups gnomAD compares: African/African-American, 0.25%; no homozygotes.

Submission:

PreventionGenetics, part of Exact Sciences
Classification: Likely benign for NCOA1-related condition. Last evaluated: 2019-12-05. Review status: no assertion criteria provided. Collection method: clinical testing. Allele origin: germline.
Comment: This variant is classified as likely benign based on ACMG/AMP sequence variant interpretation guidelines (Richards et al. 2015 PMID: 25741868, with internal and published modifications).

NM_003743.5(NCOA1):c.414G>A (p.Glu138=)

Gene: NCOA1 (nuclear receptor coactivator 1; plus strand). Cytogenetic location: 2p23.3.
Variant type: single nucleotide variant.
Coding change: c.414G>A on transcript NM_003743.5 (MANE Select); coding-DNA position 414, G replaced by A.
Protein change: p.Glu138=; no amino-acid change (glutamic acid 138 retained).
Molecular consequence: synonymous variant.
Genome position (GRCh38, 1-based): chr2:24,683,010, G>A. VCF-style: chr2-24683010-G-A. GRCh37 (hg19) VCF-style: chr2-24905879-G-A.
Other names: c.414G>A, p.Glu138= (NM_001362950.1, NM_001362952.1, NM_001362954.1 and 3 more transcripts).
Identifiers: ClinVar variation 3038589 (VCV003038589.2), dbSNP rs143026802, ClinGen allele CA1552004.